The following is an entry in ClinVar:

ClinVar aggregate classification (germline): Likely benign. Review status: criteria provided, single submitter (1 of 4 stars). 2 submissions from 2 submitters: Likely benign (1). 1 of the submissions does not count toward it. Last evaluated 2025-10-23.

Conditions:
CEP120-related disorder. Also called: CEP120-related condition; CEP120-Related Disorders.
Short-rib thoracic dysplasia 13 with or without polydactyly (SRTD13). Identifiers: Orphanet 474, MedGen C4225378, MONDO:0014577, OMIM 616300.

Allele frequency attached by ClinVar (database versions not stated): gnomAD exomes below 0.00001; ExAC 0.00003; gnomAD 0.00008; TOPMed 0.00008.
gnomAD v4.1: 22 of 1,611,194 alleles (0.0014%); highest among the groups gnomAD compares: African/African-American, 0.023%; no homozygotes.

Submissions (2):

Labcorp Genetics (formerly Invitae), Labcorp
Classification: Likely benign for Short-rib thoracic dysplasia 13 with or without polydactyly. Last evaluated: 2025-10-23. Review status: criteria provided, single submitter. Criteria: Invitae Variant Classification Sherloc (09022015). Collection method: clinical testing. Allele origin: germline.

PreventionGenetics, part of Exact Sciences
Classification: Likely benign for CEP120-related condition. Last evaluated: 2022-10-25. Review status: no assertion criteria provided. Collection method: clinical testing. Allele origin: germline. Not counted in ClinVar's aggregate classification.
Comment: This variant is classified as likely benign based on ACMG/AMP sequence variant interpretation guidelines (Richards et al. 2015 PMID: 25741868, with internal and published modifications).

NM_001375405.1(CEP120):c.1588T>C (p.Leu530=)

Gene: CEP120 (centrosomal protein 120; minus strand). Cytogenetic location: 5q23.2.
Variant type: single nucleotide variant.
Coding change: c.1588T>C on transcript NM_001375405.1 (MANE Select); coding-DNA position 1588, T replaced by C.
Protein change: p.Leu530=; no amino-acid change (leucine 530 retained).
Molecular consequence: synonymous variant. On other transcripts: non-coding transcript variant (1).
Genome position (GRCh38, 1-based): chr5:123,385,126, A>G on the plus strand (T>C on the coding strand, the complement: CEP120 is on the minus strand). VCF-style: chr5-123385126-A-G. GRCh37 (hg19) VCF-style: chr5-122720820-A-G.
Other names: c.1510T>C, p.Leu504= (NM_001166226.2); c.1453T>C, p.Leu485= (NM_001375406.1); c.1588T>C, p.Leu530= (NM_001375407.1, NM_153223.4); c.1015T>C, p.Leu339= (NM_001375408.1, NM_001375409.1); c.1588T>C (NM_153223.3).
Identifiers: ClinVar variation 2139258 (VCV002139258.6), dbSNP rs552897498, ClinGen allele CA3386915.